The following is an entry in ClinVar:

ClinVar aggregate classification (germline): Uncertain significance (1 of 4 stars; one submission).

Conditions:
Early-infantile DEE. Also called: Ohtahara syndrome; Early infantile epileptic encephalopathy with suppression bursts; Early infantile epileptic encephalopathy. Identifiers: Orphanet 1934, MedGen C0393706, MONDO:0800491.

Submission:

Labcorp Genetics (formerly Invitae), Labcorp
Classification: Uncertain significance for Early-infantile DEE. Last evaluated: 2022-06-13. Review status: criteria provided, single submitter. Criteria: Invitae Variant Classification Sherloc (09022015). Collection method: clinical testing. Allele origin: germline.
Comment: In summary, the available evidence is currently insufficient to determine the role of this variant in disease. Therefore, it has been classified as a Variant of Uncertain Significance. Advanced modeling of protein sequence and biophysical properties (such as structural, functional, and spatial information, amino acid conservation, physicochemical variation, residue mobility, and thermodynamic stability) performed at Invitae indicates that this missense variant is expected to disrupt SCN1A protein function. ClinVar contains an entry for this variant (Variation ID: 962732). This missense change has been observed in individual(s) with clinical features of SCN1A-related conditions (Invitae). This variant is not present in population databases (gnomAD no frequency). This sequence change replaces tyrosine, which is neutral and polar, with serine, which is neutral and polar, at codon 1769 of the SCN1A protein (p.Tyr1769Ser).

NM_001165963.4(SCN1A):c.5306A>C (p.Tyr1769Ser)

Genes: SCN1A (sodium voltage-gated channel alpha subunit 1; minus strand), LOC102724058 (uncharacterized LOC102724058; plus strand). Cytogenetic location: 2q24.3.
Variant type: single nucleotide variant.
Coding change: c.5306A>C on transcript NM_001165963.4 (MANE Select); coding-DNA position 5306, A replaced by C.
Protein change: p.Tyr1769Ser; replaces tyrosine 1769 with serine.
Molecular consequence: missense variant. On other transcripts: non-coding transcript variant (1).
Genome position (GRCh38, 1-based): chr2:165,991,969, T>G on the plus strand (A>C on the coding strand, the complement: SCN1A is on the minus strand). VCF-style: chr2-165991969-T-G. GRCh37 (hg19) VCF-style: chr2-166848479-T-G.
Other names: c.5222A>C, p.Tyr1741Ser (NM_001165964.3, NM_001353957.2, NM_001353958.2); c.5306A>C, p.Tyr1769Ser (NM_001202435.3, NM_001353948.2); c.5273A>C, p.Tyr1758Ser (NM_001353949.2, NM_001353950.2, NM_001353951.2 and 2 more transcripts); c.5270A>C, p.Tyr1757Ser (NM_001353954.2, NM_001353955.2); c.5219A>C, p.Tyr1740Ser (NM_001353960.2); c.2864A>C, p.Tyr955Ser (NM_001353961.2); short protein forms Y1758S, Y955S, Y1757S, Y1740S, Y1741S, Y1769S.
Identifiers: ClinVar variation 962732 (VCV000962732.10), dbSNP rs886039460, ClinGen allele CA349068202.